The following is an entry in ClinVar:

NM_000135.4(FANCA):c.709+1G>A

Gene: FANCA (FA complementation group A; minus strand). Cytogenetic location: 16q24.3.
Variant type: single nucleotide variant.
Coding change: c.709+1G>A on transcript NM_000135.4 (MANE Select); the canonical splice donor site of the intron after coding-DNA position 709, G replaced by A.
Molecular consequence: splice donor variant.
Genome position (GRCh38, 1-based): chr16:89,805,279, C>T on the plus strand (G>A on the coding strand, the complement: FANCA is on the minus strand). VCF-style: chr16-89805279-C-T. GRCh37 (hg19) VCF-style: chr16-89871687-C-T.
Other names: c.709+1G>A (NM_001286167.3, NM_001018112.3); c.613+1G>A (NM_001351830.2).
Identifiers: ClinVar variation 974299 (VCV000974299.8), dbSNP rs753211631, ClinGen allele CA8252850.

ClinVar aggregate classification (germline): Pathogenic. Review status: criteria provided, multiple submitters, no conflicts (2 of 4 stars). 3 submissions from 3 submitters: Pathogenic (2). 1 of the submissions does not count toward it. Last evaluated 2024-01-10.

Conditions:
Fanconi anemia (FA). Also called: Fanconi's anemia. Identifiers: Orphanet 84, MedGen C0015625, MeSH D005199, MONDO:0019391.
Fanconi anemia complementation group A (FANCA). Also called: Fanconi anemia, group A; FANCA-Related Fanconi Anemia. Identifiers: Orphanet 84, MedGen C3469521, MONDO:0009215, OMIM 227650.

Allele frequency attached by ClinVar (database versions not stated): ExAC 0.00001.
gnomAD v4.1: 1 of 1,612,356 alleles (0.000062%); highest among the groups gnomAD compares: Non-Finnish European, 0.000085%; no homozygotes.

Submissions (3):

Labcorp Genetics (formerly Invitae), Labcorp
Classification: Pathogenic for Fanconi anemia. Last evaluated: 2024-01-10. Review status: criteria provided, single submitter. Criteria: Invitae Variant Classification Sherloc (09022015). Collection method: clinical testing. Allele origin: germline.
Comment: This sequence change affects a donor splice site in intron 7 of the FANCA gene. It is expected to disrupt RNA splicing. Variants that disrupt the donor or acceptor splice site typically lead to a loss of protein function (PMID: 16199547), and loss-of-function variants in FANCA are known to be pathogenic (PMID: 19367192). This variant is present in population databases (rs753211631, gnomAD 0.0009%). Disruption of this splice site has been observed in individual(s) with Fanconi anemia (PMID: 9371798, 24584348). In at least one individual the data is consistent with being in trans (on the opposite chromosome) from a pathogenic variant. ClinVar contains an entry for this variant (Variation ID: 974299). Algorithms developed to predict the effect of sequence changes on RNA splicing suggest that this variant may disrupt the consensus splice site. For these reasons, this variant has been classified as Pathogenic.

Baylor Genetics
Classification: Pathogenic for Fanconi anemia complementation group A. Last evaluated: 2022-04-20. Review status: criteria provided, single submitter. Criteria: ACMG Guidelines, 2015. Collection method: clinical testing. Allele origin: unknown.

Leiden Open Variation Database
Classification: Pathogenic for Fanconi anemia complementation group A. Last evaluated: 2020-02-28. Review status: no assertion criteria provided. Collection method: curation. Allele origin: germline. Affected: yes. Not counted in ClinVar's aggregate classification.
Comment: Curator: Arleen D. Auerbach. Submitter to LOVD: Arleen D. Auerbach.

Literature cited by the submitters: PubMed 16199547 (cited by Labcorp Genetics (formerly Invitae), Labcorp); PubMed 19367192 (cited by Labcorp Genetics (formerly Invitae), Labcorp); PubMed 9371798 (cited by Labcorp Genetics (formerly Invitae), Labcorp); PubMed 24584348 (cited by Labcorp Genetics (formerly Invitae), Labcorp).